The following is an entry in ClinVar:

ClinVar aggregate classification (germline): Uncertain significance (1 of 4 stars; one submission).

Conditions:
Developmental and epileptic encephalopathy, 53. Also called: Epileptic encephalopathy, early infantile, 53. Identifiers: MedGen C4479313, MONDO:0033362, OMIM 617389.
Early-onset Parkinson disease 20. Also called: PARKINSON DISEASE 20, AUTOSOMAL RECESSIVE EARLY-ONSET. Identifiers: Orphanet 391411, MedGen C3809824, MONDO:0014233, OMIM 615530.

Allele frequency attached by ClinVar (database versions not stated): gnomAD exomes 0.00001.
gnomAD v4.1: 9 of 1,613,784 alleles (0.00056%); highest among the groups gnomAD compares: Non-Finnish European, 0.00068%; no homozygotes.

Submission:

Labcorp Genetics (formerly Invitae), Labcorp
Classification: Uncertain significance for Developmental and epileptic encephalopathy, 53; Early-onset Parkinson disease 20. Last evaluated: 2022-07-04. Review status: criteria provided, single submitter. Criteria: Invitae Variant Classification Sherloc (09022015). Collection method: clinical testing. Allele origin: germline.
Comment: In summary, the available evidence is currently insufficient to determine the role of this variant in disease. Therefore, it has been classified as a Variant of Uncertain Significance. Variants that disrupt the consensus splice site are a relatively common cause of aberrant splicing (PMID: 17576681, 9536098). Algorithms developed to predict the effect of sequence changes on RNA splicing suggest that this variant is not likely to affect RNA splicing. This variant has not been reported in the literature in individuals affected with SYNJ1-related conditions. This variant is not present in population databases (gnomAD no frequency). This sequence change falls in intron 1 of the SYNJ1 gene. It does not directly change the encoded amino acid sequence of the SYNJ1 protein. It affects a nucleotide within the consensus splice site.

Literature cited by the submitters: PubMed 17576681; PubMed 9536098.

NM_203446.3(SYNJ1):c.-22-3C>T

Gene: SYNJ1 (synaptojanin 1; minus strand). Cytogenetic location: 21q22.11.
Variant type: single nucleotide variant.
Coding change: c.-22-3C>T on transcript NM_203446.3 (MANE Select); 3 bases into the intron before 22 bases upstream of the start codon, C replaced by T.
Molecular consequence: intron variant.
Genome position (GRCh38, 1-based): chr21:32,726,920, G>A on the plus strand (C>T on the coding strand, the complement: SYNJ1 is on the minus strand). VCF-style: chr21-32726920-G-A. GRCh37 (hg19) VCF-style: chr21-34099231-G-A.
Other names: c.96-3C>T (NM_003895.4); c.-22-3C>T (NM_001160302.2, NM_001160306.2).
Identifiers: ClinVar variation 2076610 (VCV002076610.4), dbSNP rs2043482421, ClinGen allele CA2386354711.